The following is an entry in ClinVar:

NM_002576.5(PAK1):c.1552-2007C>A

Gene: PAK1 (p21 (RAC1) activated kinase 1; minus strand). Cytogenetic location: 11q13.5.
Variant type: single nucleotide variant.
Coding change: c.1552-2007C>A on transcript NM_002576.5 (MANE Select); 2007 bases into the intron before coding-DNA position 1552, C replaced by A.
Molecular consequence: intron variant. On other transcripts: missense variant (7).
Genome position (GRCh38, 1-based): chr11:77,325,367, G>T on the plus strand (C>A on the coding strand, the complement: PAK1 is on the minus strand). VCF-style: chr11-77325367-G-T. GRCh37 (hg19) VCF-style: chr11-77036412-G-T.
Other names: c.1561C>A, p.Leu521Met (NM_001128620.2, NM_001376268.1, NM_001376269.1 and 2 more transcripts); c.1423C>A, p.Leu475Met (NM_001376289.1); c.1267C>A, p.Leu423Met (NM_001376302.1); c.1258-2007C>A (NM_001376304.1, NM_001376305.1); c.1552-2007C>A (NM_001376273.1, NM_001376281.1, NM_001376283.1 and 12 more transcripts); c.1303-2007C>A (NM_001376301.1); c.1429-2007C>A (NM_001376290.1, NM_001376291.1); c.1414-2007C>A (NM_001376293.1, NM_001376292.1); and 5 more; short protein forms L423M, L475M, L521M.
Identifiers: ClinVar variation 2642183 (VCV002642183.24), dbSNP rs1225760044, ClinGen allele CA382091937.

ClinVar aggregate classification (germline): Uncertain significance (1 of 4 stars; one submission).

Allele frequency attached by ClinVar (database versions not stated): TOPMed below 0.00001; gnomAD 0.00001; gnomAD exomes 0.00001.
gnomAD v4.1: 9 of 1,613,380 alleles (0.00056%); highest among the groups gnomAD compares: Non-Finnish European, 0.00068%; no homozygotes.

Submission:

CeGaT Center for Human Genetics Tuebingen
Classification: Uncertain significance. Last evaluated: 2023-02-01. Review status: criteria provided, single submitter. Criteria: CeGaT Center For Human Genetics Tuebingen Variant Classification Criteria Version 2. Collection method: clinical testing. Allele origin: germline. Affected: yes. Observed: 1 variant allele.
Comment: PAK1: PP2, BP4